The following is an entry in ClinVar:

ClinVar aggregate classification (germline): Benign (1 of 4 stars; one submission).

Allele frequency attached by ClinVar (database versions not stated): 1000 Genomes Project 30x 0.00422; 1000 Genomes Project 0.00519; TOPMed 0.00807; gnomAD exomes 0.01148; gnomAD 0.01337.
gnomAD v4.1: 17,388 of 1,524,394 alleles (1.1%); highest among the groups gnomAD compares: Non-Finnish European, 1.2%; 202 homozygotes.

Submission:

GeneDx
Classification: Benign. Last evaluated: 2018-06-19. Review status: criteria provided, single submitter. Criteria: GeneDx Variant Classification (06012015). Collection method: clinical testing. Allele origin: germline. Affected: yes.
Comment: This variant is considered likely benign or benign based on one or more of the following criteria: it is a conservative change, it occurs at a poorly conserved position in the protein, it is predicted to be benign by multiple in silico algorithms, and/or has population frequency not consistent with disease.

NM_001105206.3(LAMA4):c.966+78C>G

Gene: LAMA4 (laminin subunit alpha 4; minus strand). Cytogenetic location: 6q21.
Variant type: single nucleotide variant.
Coding change: c.966+78C>G on transcript NM_001105206.3 (MANE Select); 78 bases into the intron after coding-DNA position 966, C replaced by G.
Molecular consequence: intron variant.
Genome position (GRCh38, 1-based): chr6:112,187,372, G>C on the plus strand (C>G on the coding strand, the complement: LAMA4 is on the minus strand). VCF-style: chr6-112187372-G-C. GRCh37 (hg19) VCF-style: chr6-112508574-G-C.
Other names: c.945+78C>G (NM_002290.5, NM_001105207.3).
Identifiers: ClinVar variation 675312 (VCV000675312.1), dbSNP rs144629320, ClinGen allele CA144883786.